The following is an entry in ClinVar:

NM_019098.5(CNGB3):c.598T>C (p.Tyr200His)

Gene: CNGB3 (cyclic nucleotide gated channel subunit beta 3; minus strand). Cytogenetic location: 8q21.3.
Variant type: single nucleotide variant.
Coding change: c.598T>C on transcript NM_019098.5 (MANE Select); coding-DNA position 598, T replaced by C.
Protein change: p.Tyr200His; replaces tyrosine 200 with histidine.
Molecular consequence: missense variant.
Genome position (GRCh38, 1-based): chr8:86,668,064, A>G on the plus strand (T>C on the coding strand, the complement: CNGB3 is on the minus strand). VCF-style: chr8-86668064-A-G. GRCh37 (hg19) VCF-style: chr8-87680292-A-G.
Other names: short protein forms Y200H.
Identifiers: ClinVar variation 1415024 (VCV001415024.6), dbSNP rs2131615992, ClinGen allele CA371449786.
Genomic context (GRCh38, chr8:86,668,064, plus strand): 5'-ACCCTTTGATAATACCTGTGTATGAATCTATGCTGTTTGGAAGTTTAATTCGCTTTAAGT[A>G]CTCTGTTAAAGGCATCTTTTTGACTTTGAACCACAACAGCCTGTAGTAATGTTCTGTTGG-3'
Protein context (NP_061971.3, residues 190-210): FKVKKMPLTE[Tyr200His]LKRIKLPNSI

ClinVar aggregate classification (germline): Uncertain significance (1 of 4 stars; one submission).

Submission:

Labcorp Genetics (formerly Invitae), Labcorp
Classification: Uncertain significance. Last evaluated: 2022-07-19. Review status: criteria provided, single submitter. Criteria: Invitae Variant Classification Sherloc (09022015). Collection method: clinical testing. Allele origin: germline.
Comment: In summary, the available evidence is currently insufficient to determine the role of this variant in disease. Therefore, it has been classified as a Variant of Uncertain Significance. Advanced modeling of protein sequence and biophysical properties (such as structural, functional, and spatial information, amino acid conservation, physicochemical variation, residue mobility, and thermodynamic stability) performed at Invitae indicates that this missense variant is not expected to disrupt CNGB3 protein function. ClinVar contains an entry for this variant (Variation ID: 1415024). This variant has not been reported in the literature in individuals affected with CNGB3-related conditions. This variant is not present in population databases (gnomAD no frequency). This sequence change replaces tyrosine, which is neutral and polar, with histidine, which is basic and polar, at codon 200 of the CNGB3 protein (p.Tyr200His).